The following is an entry in ClinVar:

NM_004304.5(ALK):c.3459T>A (p.Pro1153=)

Gene: ALK (ALK receptor tyrosine kinase; minus strand). Cytogenetic location: 2p23.2.
Variant type: single nucleotide variant.
Coding change: c.3459T>A on transcript NM_004304.5 (MANE Select); coding-DNA position 3459, T replaced by A.
Protein change: p.Pro1153=; no amino-acid change (proline 1153 retained).
Molecular consequence: synonymous variant.
Genome position (GRCh38, 1-based): chr2:29,222,400, A>T on the plus strand (T>A on the coding strand, the complement: ALK is on the minus strand). VCF-style: chr2-29222400-A-T. GRCh37 (hg19) VCF-style: chr2-29445266-A-T.
Other names: c.255T>A, p.Pro85= (NM_001353765.2).
Identifiers: ClinVar variation 681534 (VCV000681534.14), dbSNP rs1402836708, ClinGen allele CA425434590.
Genomic context (GRCh38, chr2:29,222,400, plus strand): 5'-TTACCTGATGATCAGGGCTTCCATGAGGAAATCCAGTTCGTCCTGTTCAGAGCACACTTC[A>T]GGCAGCGTCTGGGCAGAGAAGGGGAGGGTGGGGAGGAGGAGGAGGCTGTGAGCTGAGAAC-3'
Protein context (NP_004295.2, residues 1143-1163): SPLQVAVKTL[Pro1153=]EVCSEQDELD

ClinVar aggregate classification (germline): Likely benign. Review status: criteria provided, multiple submitters, no conflicts (2 of 4 stars). 3 submissions from 3 submitters: Likely benign (3). Last evaluated 2025-07-03.

Conditions:
Hereditary cancer-predisposing syndrome. Also called: Neoplastic Syndromes, Hereditary; Tumor predisposition; Hereditary neoplastic syndrome; Hereditary Cancer Syndrome. Identifiers: Orphanet 140162, MedGen C0027672, MeSH D009386, MONDO:0015356.
Neuroblastoma, susceptibility to, 3. Also called: ALK-Related Neuroblastic Tumor Susceptibility. Identifiers: Orphanet 635, MedGen C2751681, MONDO:0013083, OMIM 613014.

Allele frequency attached by ClinVar (database versions not stated): gnomAD exomes below 0.00001 and 0.00002; gnomAD 0.00001; TOPMed 0.00001.
gnomAD v4.1: 34 of 1,613,196 alleles (0.0021%); highest among the groups gnomAD compares: Non-Finnish European, 0.0027%; no homozygotes.

Submissions (3):

Labcorp Genetics (formerly Invitae), Labcorp
Classification: Likely benign for Neuroblastoma, susceptibility to, 3. Last evaluated: 2025-07-03. Review status: criteria provided, single submitter. Criteria: Invitae Variant Classification Sherloc (09022015). Collection method: clinical testing. Allele origin: germline.

Ambry Genetics
Classification: Likely benign for Hereditary cancer-predisposing syndrome. Last evaluated: 2020-01-06. Review status: criteria provided, single submitter. Criteria: Ambry Variant Classification Scheme 2023. Collection method: clinical testing. Allele origin: germline.

GeneDx
Classification: Likely benign. Last evaluated: 2018-03-30. Review status: criteria provided, single submitter. Criteria: GeneDx Variant Classification (06012015). Collection method: clinical testing. Allele origin: germline. Affected: yes.
Comment: This variant is considered likely benign or benign based on one or more of the following criteria: it is a conservative change, it occurs at a poorly conserved position in the protein, it is predicted to be benign by multiple in silico algorithms, and/or has population frequency not consistent with disease.